The following is an entry in ClinVar:

NM_000263.4(NAGLU):c.1030G>A (p.Glu344Lys)

Gene: NAGLU (N-acetyl-alpha-glucosaminidase; plus strand). Cytogenetic location: 17q21.2.
Variant type: single nucleotide variant.
Coding change: c.1030G>A on transcript NM_000263.4 (MANE Select); coding-DNA position 1030, G replaced by A.
Protein change: p.Glu344Lys; replaces glutamic acid 344 with lysine.
Molecular consequence: missense variant.
Genome position (GRCh38, 1-based): chr17:42,543,036, G>A. VCF-style: chr17-42543036-G-A. GRCh37 (hg19) VCF-style: chr17-40695054-G-A.
Other names: short protein forms E344K.
Identifiers: ClinVar variation 3375026 (VCV003375026.1).

ClinVar aggregate classification (germline): Uncertain significance (1 of 4 stars; one submission).

Submission:

Women's Health and Genetics/Laboratory Corporation of America, LabCorp
Classification: Uncertain significance. Last evaluated: 2024-09-05. Review status: criteria provided, single submitter. Criteria: LabCorp Variant Classification Summary - May 2015. Collection method: clinical testing. Allele origin: germline.
Comment: Variant summary: NAGLU c.1030G>A (p.Glu344Lys) results in a conservative amino acid change located in the Alpha-N-acetylglucosaminidase, tim-barrel domain of the encoded protein sequence. Five of five in-silico tools predict a benign effect of the variant on protein function. The variant was absent in 238846 control chromosomes. The available data on variant occurrences in the general population are insufficient to allow any conclusion about variant significance. To our knowledge, no occurrence of c.1030G>A in individuals affected with Mucopolysaccharidosis Type IIIB (Sanfilippo Syndrome B) and no experimental evidence demonstrating its impact on protein function have been reported. No submitters have cited clinical-significance assessments for this variant to ClinVar. Based on the evidence outlined above, the variant was classified as uncertain significance.